The following is an entry in ClinVar:

ClinVar aggregate classification (germline): Uncertain significance. Review status: criteria provided, multiple submitters, no conflicts (2 of 4 stars). 4 submissions from 4 submitters: Uncertain significance (4). Last evaluated 2024-12-20.

Conditions:
Myofibrillar myopathy 5. Also called: FILAMINOPATHY, AUTOSOMAL DOMINANT; Filaminopathy (type). Identifiers: Orphanet 171445, MedGen C1836050, MONDO:0012289, OMIM 609524.
Hypertrophic cardiomyopathy 26. Also called: Cardiomyopathy, familial hypertrophic, 26. Identifiers: Orphanet 75249, MedGen C4310749, MONDO:0014883, OMIM 617047.
Distal myopathy with posterior leg and anterior hand involvement. Also called: WILLIAMS DISTAL MYOPATHY. Identifiers: Orphanet 63273, MedGen C3279722, MONDO:0013550, OMIM 614065.
Dilated Cardiomyopathy, Dominant.
Cardiovascular phenotype. Identifiers: MedGen CN230736.

Allele frequency attached by ClinVar (database versions not stated): TOPMed below 0.00001; gnomAD 0.00001.
gnomAD v4.1: 10 of 1,601,864 alleles (0.00062%); highest among the groups gnomAD compares: Middle Eastern, 0.017%; no homozygotes.

Submissions (4):

GeneDx
Classification: Uncertain significance. Last evaluated: 2024-12-20. Review status: criteria provided, single submitter. Criteria: GeneDx Variant Classification Process June 2021. Collection method: clinical testing. Allele origin: germline. Affected: yes.
Comment: Not observed at significant frequency in large population cohorts (gnomAD); In silico analysis supports that this missense variant has a deleterious effect on protein structure/function; Has not been previously published as pathogenic or benign to our knowledge

Blueprint Genetics
Classification: Uncertain significance. Last evaluated: 2024-11-18. Review status: criteria provided, single submitter. Criteria: ACMG Guidelines, 2015. Collection method: clinical testing. Allele origin: germline.

Labcorp Genetics (formerly Invitae), Labcorp
Classification: Uncertain significance for Distal myopathy with posterior leg and anterior hand involvement; Myofibrillar myopathy 5; Hypertrophic cardiomyopathy 26. Last evaluated: 2023-04-18. Review status: criteria provided, single submitter. Criteria: Invitae Variant Classification Sherloc (09022015). Collection method: clinical testing. Allele origin: germline.
Comment: In summary, the available evidence is currently insufficient to determine the role of this variant in disease. Therefore, it has been classified as a Variant of Uncertain Significance. Advanced modeling of protein sequence and biophysical properties (such as structural, functional, and spatial information, amino acid conservation, physicochemical variation, residue mobility, and thermodynamic stability) has been performed at Invitae for this missense variant, however the output from this modeling did not meet the statistical confidence thresholds required to predict the impact of this variant on FLNC protein function. ClinVar contains an entry for this variant (Variation ID: 662156). This variant has not been reported in the literature in individuals affected with FLNC-related conditions. This variant is present in population databases (no rsID available, gnomAD 0.006%). This sequence change replaces alanine, which is neutral and non-polar, with threonine, which is neutral and polar, at codon 218 of the FLNC protein (p.Ala218Thr).

Ambry Genetics
Classification: Uncertain significance for Cardiovascular phenotype. Last evaluated: 2020-08-20. Review status: criteria provided, single submitter. Criteria: Ambry Variant Classification Scheme 2023. Collection method: clinical testing. Allele origin: germline.
Comment: The p.A218T variant (also known as c.652G>A), located in coding exon 3 of the FLNC gene, results from a G to A substitution at nucleotide position 652. The alanine at codon 218 is replaced by threonine, an amino acid with similar properties. This amino acid position is highly conserved in available vertebrate species. In addition, this alteration is predicted to be deleterious by in silico analysis. Since supporting evidence is limited at this time, the clinical significance of this alteration remains unclear.

NM_001458.5(FLNC):c.652G>A (p.Ala218Thr)

Gene: FLNC (filamin C; plus strand). Cytogenetic location: 7q32.1.
Variant type: single nucleotide variant.
Coding change: c.652G>A on transcript NM_001458.5 (MANE Select); coding-DNA position 652, G replaced by A.
Protein change: p.Ala218Thr; replaces alanine 218 with threonine.
Molecular consequence: missense variant.
Genome position (GRCh38, 1-based): chr7:128,837,210, G>A. VCF-style: chr7-128837210-G-A. GRCh37 (hg19) VCF-style: chr7-128477264-G-A.
Other names: c.652G>A, p.Ala218Thr (NM_001127487.2); short protein forms A218T.
Identifiers: ClinVar variation 662156 (VCV000662156.10), dbSNP rs777415462, ClinGen allele CA369221256.
Genomic context (GRCh38, chr7:128,837,210, plus strand): 5'-ACCTCTCCAGGTCTCTGCCCCGACTGGGAGGCCTGGGACCCCAACCAGCCCGTGGAGAAC[G>A]CCCGGGAGGCCATGCAGCAGGCCGACGACTGGCTTGGGGTGCCCCAGGTACATGCGCAGA-3'
Protein context (NP_001449.3, residues 208-228): AWDPNQPVEN[Ala218Thr]REAMQQADDW